The following is an entry in ClinVar:

NM_001103.4(ACTN2):c.2003C>G (p.Thr668Arg)

Gene: ACTN2 (actinin alpha 2; plus strand). Cytogenetic location: 1q43.
Variant type: single nucleotide variant.
Coding change: c.2003C>G on transcript NM_001103.4 (MANE Select); coding-DNA position 2003, C replaced by G.
Protein change: p.Thr668Arg; replaces threonine 668 with arginine.
Molecular consequence: missense variant.
Genome position (GRCh38, 1-based): chr1:236,755,047, C>G. VCF-style: chr1-236755047-C-G. GRCh37 (hg19) VCF-style: chr1-236918347-C-G.
Other names: p.T668R:ACA>AGA; c.2003C>G, p.Thr668Arg (NM_001278343.2); c.1379C>G, p.Thr460Arg (NM_001278344.2); short protein forms T668R, T460R.
Identifiers: ClinVar variation 43922 (VCV000043922.36), dbSNP rs397516572, ClinGen allele CA133164.
Genomic context (GRCh38, chr1:236,755,047, plus strand): 5'-TCTCTCTCTGCTTGCTCACTCGCCCCCCTCAGGAGATTGCCCGGAGCTCCATCCAGATCA[C>G]AGGAGCCCTGGAAGACCAGATGAACCAGCTGAAGCAGTATGAGCACAACATCATCAACTA-3'
Protein context (NP_001094.1, residues 658-678): EEIARSSIQI[Thr668Arg]GALEDQMNQL

ClinVar aggregate classification (germline): Conflicting classifications of pathogenicity. Review status: criteria provided, conflicting classifications (1 of 4 stars). 6 submissions from 6 submitters: Uncertain significance (4); Likely benign (2). Last evaluated 2025-09-01.

Conditions:
Intrinsic cardiomyopathy. Identifiers: MedGen CN305117, MONDO:0000591.
Cardiovascular phenotype. Identifiers: MedGen CN230736.
Primary familial hypertrophic cardiomyopathy (HCM). Identifiers: Orphanet 99739, MedGen C0949658, MeSH D024741, MONDO:0024573. Inheritance: Various modes of inheritance.
Dilated cardiomyopathy 1AA (CMD1AA). Also called: CARDIOMYOPATHY, DILATED, 1AA, WITH OR WITHOUT LEFT VENTRICULAR NONCOMPACTION; CARDIOMYOPATHY, FAMILIAL HYPERTROPHIC, 23, WITH OR WITHOUT LEFT VENTRICULAR NONCOMPACTION; Cardiomyopathy, dilated, 1AA, with or without LVNC. Identifiers: Orphanet 154, MedGen C2677338, MONDO:0012808, OMIM 612158.

Allele frequency attached by ClinVar (database versions not stated): gnomAD 0.00003; TOPMed 0.00003; ExAC 0.00005; gnomAD exomes 0.00005.
gnomAD v4.1: 71 of 1,614,106 alleles (0.0044%); highest among the groups gnomAD compares: Non-Finnish European, 0.006%; no homozygotes.

Submissions (6):

CeGaT Center for Human Genetics Tuebingen
Classification: Uncertain significance. Last evaluated: 2025-09-01. Review status: criteria provided, single submitter. Criteria: CeGaT Center For Human Genetics Tuebingen Variant Classification Criteria Version 2. Collection method: clinical testing. Allele origin: germline. Affected: yes. Observed: 1 variant allele.

Labcorp Genetics (formerly Invitae), Labcorp
Classification: Likely benign for Primary familial hypertrophic cardiomyopathy; Dilated cardiomyopathy 1AA. Last evaluated: 2025-04-08. Review status: criteria provided, single submitter. Criteria: Invitae Variant Classification Sherloc (09022015). Collection method: clinical testing. Allele origin: germline.

Ambry Genetics
Classification: Likely benign for Cardiovascular phenotype. Last evaluated: 2023-10-26. Review status: criteria provided, single submitter. Criteria: Ambry Variant Classification Scheme 2023. Collection method: clinical testing. Allele origin: germline.

GeneDx
Classification: Uncertain significance. Last evaluated: 2023-04-07. Review status: criteria provided, single submitter. Criteria: GeneDx Variant Classification Process June 2021. Collection method: clinical testing. Allele origin: germline. Affected: yes.
Comment: Reported in association with DCM and LVNC in published literature and in individuals referred for genetic testing at GeneDx; however, detailed clinical information was not provided and/or additional cardiogenetic variants were also identified (Pugh et al., 2014; Walsh et al., 2017; Mazzarotto et al., 2021); In silico analysis supports that this missense variant does not alter protein structure/function; This variant is associated with the following publications: (PMID: 24503780, 33500567, 27532257)

Department of Pathology and Laboratory Medicine, Sinai Health System
Classification: Uncertain significance for intrinsic cardiomyopathy. Last evaluated: 2021-09-08. Review status: criteria provided, single submitter. Criteria: ACMG Guidelines, 2015. Collection method: research. Allele origin: germline.

Laboratory for Molecular Medicine, Mass General Brigham Personalized Medicine
Classification: Uncertain significance. Last evaluated: 2020-01-10. Review status: criteria provided, single submitter. Criteria: LMM Criteria. Collection method: clinical testing. Allele origin: germline. Observed: 4 variant alleles.
Comment: It has been identified in 0.01% (12/113748) of European chromosomes by gnomAD. Given the rarity of pathogenic ACTN2 variants, this frequency suggests that this variant may not be highly penetrant or may be benign. Computational prediction tools and conservation analysis do not provide strong support for or against an impact to the protein. In summary, the clinical significance of this variant is uncertain. ACMG/AMP Criteria applied: none.

Literature cited by the submitters: PubMed 24503780 (cited by Ambry Genetics); PubMed 27532257 (cited by Ambry Genetics and Laboratory for Molecular Medicine, Mass General Brigham Personalized Medicine); PubMed 33500567 (cited by Ambry Genetics).